The following is an entry in ClinVar:

NM_006009.4(TUBA1A):c.629A>G (p.Tyr210Cys)

Gene: TUBA1A (tubulin alpha 1a; minus strand). Cytogenetic location: 12q13.12.
Variant type: single nucleotide variant.
Coding change: c.629A>G on transcript NM_006009.4 (MANE Select); coding-DNA position 629, A replaced by G.
Protein change: p.Tyr210Cys; replaces tyrosine 210 with cysteine.
Molecular consequence: missense variant.
Genome position (GRCh38, 1-based): chr12:49,185,737, T>C on the plus strand (A>G on the coding strand, the complement: TUBA1A is on the minus strand). VCF-style: chr12-49185737-T-C. GRCh37 (hg19) VCF-style: chr12-49579520-T-C.
Other names: c.629A>G, p.Tyr210Cys (NM_001270399.2); c.524A>G, p.Tyr175Cys (NM_001270400.2); c.629A>G (NM_006009.2); short protein forms Y210C, Y175C.
Identifiers: ClinVar variation 625474 (VCV000625474.12), dbSNP rs1565627253, ClinGen allele CA384641196.
Genomic context (GRCh38, chr12:49,185,737, plus strand): 5'-AACCTATTCAGGTTAGTATAGGTTGGACGCTCAATATCGAGGTTTCTACGACAGATGTCA[T>C]AGATGGCCTCATTGTCTACCATGAAGGCACAATCAGAGTGCTCCAGGGTGGTGTGGGTGG-3'
Protein context (NP_006000.2, residues 200-220): CAFMVDNEAI[Tyr210Cys]DICRRNLDIE

ClinVar aggregate classification (germline): Pathogenic/Likely pathogenic. Review status: criteria provided, multiple submitters, no conflicts (2 of 4 stars). 4 submissions from 4 submitters: Pathogenic (3); Likely pathogenic (1). Last evaluated 2026-08-31.

Conditions:
Lissencephaly due to TUBA1A mutation (CDCBM16). Also called: Lissencephaly 3; CORTICAL DYSPLASIA, COMPLEX, WITH OTHER BRAIN MALFORMATIONS 16. Identifiers: Orphanet 171680, MedGen C4305153, MONDO:0012703, OMIM 611603.
Tubulinopathy. Also called: Tubulinopathies. Identifiers: MedGen CN850169, MONDO:0100153.

Submissions (4):

Kasturba Medical College, Manipal, Kasturba Medical College, Manipal, Manipal Academy of Higher Education, Manipal, India
Classification: Likely pathogenic for Lissencephaly due to TUBA1A mutation. Last evaluated: 2026-08-31. Review status: criteria provided, single submitter. Criteria: ACMG Guidelines, 2015. Collection method: research. Allele origin: de novo. Inheritance: Autosomal dominant inheritance. Affected: yes. Observed: 1 variant allele, 1 heterozygote.
Comment: The variant c.629A>G is not observed in gnomAD (v4.0) population database and in our in-house data of 4438 exomes. In-silico analysis tools (REVEL and CADD) predict the variant to be disease-causing and likely to affect the TUBA1A protein function.

Labcorp Genetics (formerly Invitae), Labcorp
Classification: Pathogenic. Last evaluated: 2024-10-16. Review status: criteria provided, single submitter. Criteria: Invitae Variant Classification Sherloc (09022015). Collection method: clinical testing. Allele origin: germline.
Comment: This sequence change replaces tyrosine, which is neutral and polar, with cysteine, which is neutral and slightly polar, at codon 210 of the TUBA1A protein (p.Tyr210Cys). This variant is not present in population databases (gnomAD no frequency). This missense change has been observed in individual(s) with lissencephaly (PMID: 21403111). In at least one individual the variant was observed to be de novo. ClinVar contains an entry for this variant (Variation ID: 625474). Invitae Evidence Modeling of protein sequence and biophysical properties (such as structural, functional, and spatial information, amino acid conservation, physicochemical variation, residue mobility, and thermodynamic stability) indicates that this missense variant is expected to disrupt TUBA1A protein function with a positive predictive value of 80%. For these reasons, this variant has been classified as Pathogenic.

GeneDx
Classification: Pathogenic. Last evaluated: 2023-08-10. Review status: criteria provided, single submitter. Criteria: GeneDx Variant Classification Process June 2021. Collection method: clinical testing. Allele origin: germline. Affected: yes.
Comment: Not observed at significant frequency in large population cohorts (gnomAD); Missense variants in this gene are often considered pathogenic (HGMD); In silico analysis supports that this missense variant has a deleterious effect on protein structure/function; This variant is associated with the following publications: (PMID: 21403111, 26493046, 28412269, 22264709, 30744660, 35892608)

Institute of Human Genetics, FAU Erlangen, Friedrich-Alexander-Universität Erlangen-Nürnberg
Classification: Pathogenic for Tubulinopathies. Last evaluated: 2018-07-01. Review status: criteria provided, single submitter. Criteria: ACMG Guidelines, 2015. Collection method: literature only. Allele origin: de novo. Affected: yes. Observed: 1 variant allele.
Comment: The c.629A>G, p.(Tyr210Cys) variant has been reported as a variant of de novo origin. This variant and associated phenotype was previously reported by Jansen et al. Neurology, 2011 PMID: 21403111. HPO-standardized clinical features were: Hypoplasia of the corpus callosum (HP:0002079); Agyria-pachygyria (HP:0031883, HP:0001302); Cerebellar vermis hypoplasia (HP:0001320); Hypoplasia of the brainstem (HP:0002365); Dilated fourth ventricle (HP:0002198); Congenital microcephaly (HP:0011451); Microcephaly (HP:0000252); Spasticity (HP:0001257); Focal seizures (HP:0007359)

Literature cited by the submitters: PubMed 21403111 (cited by Kasturba Medical College, Manipal, Kasturba Medical College, Manipal, Manipal Academy of Higher Education, Manipal, India and Labcorp Genetics (formerly Invitae), Labcorp); PubMed 30744660 (cited by Institute of Human Genetics, FAU Erlangen, Friedrich-Alexander-Universität Erlangen-Nürnberg); DOI 10.1101/427948 (cited by Institute of Human Genetics, FAU Erlangen, Friedrich-Alexander-Universität Erlangen-Nürnberg).